The following is an entry in ClinVar:

NM_004104.5(FASN):c.2933_2938dup (p.Pro979_Thr980insAsnPro)

Gene: FASN (fatty acid synthase; minus strand). Cytogenetic location: 17q25.3.
Variant type: Duplication.
Coding change: c.2933_2938dup on transcript NM_004104.5 (MANE Select); coding-DNA positions 2933 to 2938, 6 bases duplicated (ACCCCA; older notation c.2933_2938dupACCCCA).
Protein change: p.Pro979_Thr980insAsnPro.
Molecular consequence: inframe insertion.
Genome position (GRCh38, 1-based): chr17:82,087,790-82,087,795, TGGGGT duplicated on the plus strand (ACCCCA on the coding strand, the reverse complement: FASN is on the minus strand); duplicating any 6 consecutive bases within chr17:82,087,790-82,087,800 gives the same sequence; the c. name uses the placement nearest the transcript's 3' end. VCF-style (leftmost placement, unchanged base first): chr17-82087789-G-GTGGGGT. GRCh37 (hg19) VCF-style: chr17-80045665-G-GTGGGGT.
Identifiers: ClinVar variation 2993871 (VCV002993871.3), dbSNP rs1568111859, ClinGen allele CA628027009.
Genomic context (GRCh38, chr17:82,087,789, plus strand): 5'-TCGTAGCCACGCAGACGCAGCTCCTTGTAAACTTCAGCCTGGGCCAGGAAGAGGGGCTCC[G>GTGGGGT]TGGGGTTGGGGGTGGGGCTTTCCGGGTGGTCGAAGAGCCTGGGGTCAGGGTCATCCCACT-3'

ClinVar aggregate classification (germline): Uncertain significance (1 of 4 stars; one submission).

Conditions:
Epileptic encephalopathy. Identifiers: MedGen C0543888, HP:0200134.

Submission:

Labcorp Genetics (formerly Invitae), Labcorp
Classification: Uncertain significance for Epileptic encephalopathy. Last evaluated: 2023-03-22. Review status: criteria provided, single submitter. Criteria: Invitae Variant Classification Sherloc (09022015). Collection method: clinical testing. Allele origin: germline.
Comment: This variant, c.2933_2938dup, results in the insertion of 2 amino acid(s) of the FASN protein (p.Asn978_Pro979dup), but otherwise preserves the integrity of the reading frame. In summary, the available evidence is currently insufficient to determine the role of this variant in disease. Therefore, it has been classified as a Variant of Uncertain Significance. This variant has not been reported in the literature in individuals affected with FASN-related conditions. This variant is present in population databases (no rsID available, gnomAD 0.003%).